The following is an entry in ClinVar:

NM_000053.4(ATP7B):c.2700_2701insTATAAGAGACAGT (p.Lys901delinsTyrLysArgGlnTer)

Gene: ATP7B (ATPase copper transporting beta; minus strand). Cytogenetic location: 13q14.3.
Variant type: Insertion.
Coding change: c.2700_2701insTATAAGAGACAGT on transcript NM_000053.4 (MANE Select); coding-DNA positions 2700 to 2701, TATAAGAGACAGT inserted.
Protein change: p.Lys901delinsTyrLysArgGlnTer.
Molecular consequence: nonsense.
Genome position: GRCh38 VCF-style: chr13-51950036-T-TACTGTCTCTTATA. GRCh37 (hg19) VCF-style: chr13-52524172-T-TACTGTCTCTTATA.
Other names: c.2214_2215insTATAAGAGACAGT, p.Lys739delinsTyrLysArgGlnTer (NM_001005918.3, NM_001406541.1, NM_001406542.1 and 1 more transcripts); c.2367_2368insTATAAGAGACAGT, p.Lys790delinsTyrLysArgGlnTer (NM_001243182.2); c.2466_2467insTATAAGAGACAGT, p.Lys823delinsTyrLysArgGlnTer (NM_001330578.2, NM_001406527.1, NM_001406528.1 and 2 more transcripts); c.2448_2449insTATAAGAGACAGT, p.Lys817delinsTyrLysArgGlnTer (NM_001330579.2, NM_001406531.1, NM_001406532.1 and 1 more transcripts); c.2700_2701insTATAAGAGACAGT, p.Lys901delinsTyrLysArgGlnTer (NM_001406511.1, NM_001406512.1, NM_001406513.1 and 7 more transcripts); c.2667_2668insTATAAGAGACAGT, p.Lys890delinsTyrLysArgGlnTer (NM_001406514.1); c.2604_2605insTATAAGAGACAGT, p.Lys869delinsTyrLysArgGlnTer (NM_001406517.1, NM_001406518.1); c.2556_2557insTATAAGAGACAGT, p.Lys853delinsTyrLysArgGlnTer (NM_001406520.1, NM_001406521.1, NM_001406522.1 and 1 more transcripts); and 8 more.
Identifiers: ClinVar variation 5011669 (VCV005011669.1).

ClinVar aggregate classification (germline): Pathogenic (1 of 4 stars; one submission).

Conditions:
Wilson disease (WND). Also called: Wilson's disease. Identifiers: Orphanet 905, MedGen C0019202, MONDO:0010200, OMIM 277900. Disease mechanism: loss of function.

Submission:

Myriad Genetics, Inc.
Classification: Pathogenic for Wilson disease. Last evaluated: 2023-09-15. Review status: criteria provided, single submitter. Criteria: Myriad Autosomal Dominant, Autosomal Recessive and X-Linked Classification Criteria (2023). Collection method: clinical testing. Allele origin: unknown.
Comment: NM_000053.3(ATP7B):c.2700_2701ins13(K901Yfs*5) is expected to be pathogenic in the context of Wilson disease. This variant is predicted to lead to an abnormal or absent protein product due to the creation of a premature termination codon in ATP7B, a gene where loss-of-function variants are known to be pathogenic. Please note: this variant was assessed in the context of healthy population screening.